The following is an entry in ClinVar:

NM_024426.6(WT1):c.283G>C (p.Gly95Arg)

Genes: WT1 (WT1 transcription factor; minus strand), LOC107982234 (WT1/WT1-AS bi-directional promoter region; plus strand). Cytogenetic location: 11p13.
Variant type: single nucleotide variant.
Coding change: c.283G>C on transcript NM_024426.6 (MANE Select); coding-DNA position 283, G replaced by C.
Protein change: p.Gly95Arg; replaces glycine 95 with arginine.
Molecular consequence: missense variant. On other transcripts: non-coding transcript variant (2).
Genome position (GRCh38, 1-based): chr11:32,435,078, C>G on the plus strand (G>C on the coding strand, the complement: WT1 is on the minus strand). VCF-style: chr11-32435078-C-G. GRCh37 (hg19) VCF-style: chr11-32456624-C-G.
Other names: c.283G>C, p.Gly95Arg (NM_000378.6, NM_001407044.1, NM_001407045.1 and 6 more transcripts); c.64G>C, p.Gly22Arg (NM_001429031.1, NM_001429032.1, NM_001429033.1 and 1 more transcripts); short protein forms G95R, G22R, G90R.
Identifiers: ClinVar variation 5032029 (VCV005032029.1).

ClinVar aggregate classification (germline): Uncertain significance (1 of 4 stars; one submission).

Conditions:
Inborn genetic diseases. Identifiers: MedGen C0950123, MeSH D030342.

Submission:

Ambry Genetics
Classification: Uncertain significance for Inborn genetic diseases. Last evaluated: 2026-07-06. Review status: criteria provided, single submitter. Criteria: Ambry Variant Classification Scheme 2023. Collection method: clinical testing. Allele origin: germline.
Comment: The p.G90R variant (also known as c.268G>C), located in coding exon 1 of the WT1 gene, results from a G to C substitution at nucleotide position 268. The glycine at codon 90 is replaced by arginine, an amino acid with dissimilar properties. This amino acid position is conserved. In addition, the in silico prediction for this alteration is inconclusive. Based on the available evidence, the clinical significance of this variant remains unclear.